The following is an entry in ClinVar:

NM_033118.4(MYLK2):c.381G>C (p.Arg127Ser)

Gene: MYLK2 (myosin light chain kinase 2; plus strand). Cytogenetic location: 20q11.21.
Variant type: single nucleotide variant.
Coding change: c.381G>C on transcript NM_033118.4 (MANE Select); coding-DNA position 381, G replaced by C.
Protein change: p.Arg127Ser; replaces arginine 127 with serine.
Molecular consequence: missense variant.
Genome position (GRCh38, 1-based): chr20:31,820,454, G>C. VCF-style: chr20-31820454-G-C. GRCh37 (hg19) VCF-style: chr20-30408257-G-C.
Other names: short protein forms R127S.
Identifiers: ClinVar variation 3007322 (VCV003007322.3), dbSNP rs141524173, ClinGen allele CA408525483.
Genomic context (GRCh38, chr20:31,820,454, plus strand): 5'-CGTCAAGAAGCCCAAGGCTGAGCAGGGAGCCTCAGGCAGCCAGGATCCTGGAAAGCCCAG[G>C]GTGGGCAAGAAGGCAGCAGAGGGCCAAGCAGCAGCCAGGAGGGGCTCACCTGCCTTTCTG-3'
Protein context (NP_149109.1, residues 117-137): ASGSQDPGKP[Arg127Ser]VGKKAAEGQA

ClinVar aggregate classification (germline): Uncertain significance (1 of 4 stars; one submission).

Conditions:
Hypertrophic cardiomyopathy 1 (CMH1). Also called: MYH7-Related Familial Hypertrophic Cardiomyopathy; Familial hypertrophic cardiomyopathy 1. Identifiers: MedGen C3495498, MONDO:0008647, OMIM 192600.

gnomAD v4.1: 1 of 1,612,202 alleles (0.000062%); highest among the groups gnomAD compares: Non-Finnish European, 0.000085%; no homozygotes.

Submission:

Labcorp Genetics (formerly Invitae), Labcorp
Classification: Uncertain significance for Hypertrophic cardiomyopathy 1. Last evaluated: 2023-10-04. Review status: criteria provided, single submitter. Criteria: Invitae Variant Classification Sherloc (09022015). Collection method: clinical testing. Allele origin: germline.
Comment: This sequence change replaces arginine, which is basic and polar, with serine, which is neutral and polar, at codon 127 of the MYLK2 protein (p.Arg127Ser). This variant is not present in population databases (gnomAD no frequency). This variant has not been reported in the literature in individuals affected with MYLK2-related conditions. Advanced modeling of protein sequence and biophysical properties (such as structural, functional, and spatial information, amino acid conservation, physicochemical variation, residue mobility, and thermodynamic stability) performed at Invitae indicates that this missense variant is not expected to disrupt MYLK2 protein function. In summary, the available evidence is currently insufficient to determine the role of this variant in disease. Therefore, it has been classified as a Variant of Uncertain Significance.